The following is an entry in ClinVar:

ClinVar aggregate classification (germline): Pathogenic/Likely pathogenic. Review status: criteria provided, multiple submitters, no conflicts (2 of 4 stars). 2 submissions from 2 submitters: Pathogenic (1); Likely pathogenic (1). Last evaluated 2023-08-10.

Conditions:
Fatal mitochondrial disease due to combined oxidative phosphorylation defect type 3. Also called: Combined oxidative phosphorylation deficiency 3; ENCEPHALOMYOPATHY, RESPIRATORY FAILURE, AND LACTIC ACIDOSIS. Identifiers: Orphanet 168566, MedGen C1864840, MONDO:0012512, OMIM 610505.

Submissions (2):

Labcorp Genetics (formerly Invitae), Labcorp
Classification: Pathogenic. Last evaluated: 2023-08-10. Review status: criteria provided, single submitter. Criteria: Invitae Variant Classification Sherloc (09022015). Collection method: clinical testing. Allele origin: germline.
Comment: This sequence change creates a premature translational stop signal (p.Gln87*) in the TSFM gene. It is expected to result in an absent or disrupted protein product. Loss-of-function variants in TSFM are known to be pathogenic (PMID: 17033963, 20435138, 25037205, 27677415). For these reasons, this variant has been classified as Pathogenic. ClinVar contains an entry for this variant (Variation ID: 2022300). This variant has not been reported in the literature in individuals affected with TSFM-related conditions. This variant is not present in population databases (gnomAD no frequency).

Baylor Genetics
Classification: Likely pathogenic for Fatal mitochondrial disease due to combined oxidative phosphorylation defect type 3. Last evaluated: 2023-04-02. Review status: criteria provided, single submitter. Criteria: ACMG Guidelines, 2015. Collection method: clinical testing. Allele origin: unknown.

Literature cited by the submitters: PubMed 17033963 (cited by Labcorp Genetics (formerly Invitae), Labcorp); PubMed 20435138 (cited by Labcorp Genetics (formerly Invitae), Labcorp); PubMed 25037205 (cited by Labcorp Genetics (formerly Invitae), Labcorp); PubMed 27677415 (cited by Labcorp Genetics (formerly Invitae), Labcorp).

NM_005726.6(TSFM):c.259C>T (p.Gln87Ter)

Gene: TSFM (Ts translation elongation factor, mitochondrial; plus strand). Cytogenetic location: 12q14.1.
Variant type: single nucleotide variant.
Coding change: c.259C>T on transcript NM_005726.6 (MANE Select); coding-DNA position 259, C replaced by T.
Protein change: p.Gln87Ter; replaces glutamine 87 with a stop codon.
Molecular consequence: nonsense.
Genome position (GRCh38, 1-based): chr12:57,786,190, C>T. VCF-style: chr12-57786190-C-T. GRCh37 (hg19) VCF-style: chr12-58179973-C-T.
Other names: c.259C>T, p.Gln87Ter (NM_001172695.2, NM_001172696.2, NM_001172697.2); short protein forms Q87*.
Identifiers: ClinVar variation 2022300 (VCV002022300.5), dbSNP rs1595137877, ClinGen allele CA385525153.